The following is an entry in ClinVar:

ClinVar aggregate classification (germline): Uncertain significance (1 of 4 stars; one submission).

Conditions:
Glycogen storage disease type III (GSD3). Also called: FORBES DISEASE; Cori disease. Identifiers: Orphanet 366, MedGen C0017922, MONDO:0009291, OMIM 232400.

Allele frequency attached by ClinVar (database versions not stated): gnomAD 0.00001; TOPMed 0.00001; gnomAD exomes 0.00004.
gnomAD v4.1: 54 of 1,613,724 alleles (0.0033%); highest among the groups gnomAD compares: Non-Finnish European, 0.0044%; no homozygotes.

Submission:

Labcorp Genetics (formerly Invitae), Labcorp
Classification: Uncertain significance for Glycogen storage disease type III. Last evaluated: 2021-08-31. Review status: criteria provided, single submitter. Criteria: Invitae Variant Classification Sherloc (09022015). Collection method: clinical testing. Allele origin: germline.
Comment: This sequence change replaces isoleucine with valine at codon 1305 of the AGL protein (p.Ile1305Val). The isoleucine residue is weakly conserved and there is a small physicochemical difference between isoleucine and valine. This variant is not present in population databases (ExAC no frequency). This variant has not been reported in the literature in individuals affected with AGL-related conditions. Algorithms developed to predict the effect of missense changes on protein structure and function (SIFT, PolyPhen-2, Align-GVGD) all suggest that this variant is likely to be tolerated. In summary, the available evidence is currently insufficient to determine the role of this variant in disease. Therefore, it has been classified as a Variant of Uncertain Significance.

NM_000642.3(AGL):c.3913A>G (p.Ile1305Val)

Gene: AGL (amylo-alpha-1,6-glucosidase and 4-alpha-glucanotransferase; plus strand). Cytogenetic location: 1p21.2.
Variant type: single nucleotide variant.
Coding change: c.3913A>G on transcript NM_000642.3 (MANE Select); coding-DNA position 3913, A replaced by G.
Protein change: p.Ile1305Val; replaces isoleucine 1305 with valine.
Molecular consequence: missense variant.
Genome position (GRCh38, 1-based): chr1:99,912,481, A>G. VCF-style: chr1-99912481-A-G. GRCh37 (hg19) VCF-style: chr1-100378037-A-G.
Other names: c.3913A>G, p.Ile1305Val (NM_000028.3, NM_000643.3, NM_000644.3 and 1 more transcripts); c.3865A>G, p.Ile1289Val (NM_000646.3); c.3892A>G, p.Ile1298Val (NM_001425326.1); c.3712A>G, p.Ile1238Val (NM_001425327.1); c.3709A>G, p.Ile1237Val (NM_001425328.1); c.3574A>G, p.Ile1192Val (NM_001425329.1); c.3535A>G, p.Ile1179Val (NM_001425332.1); short protein forms I1289V, I1305V, I1179V, I1192V, I1237V, I1238V, I1298V.
Identifiers: ClinVar variation 971262 (VCV000971262.6), dbSNP rs1264514559, ClinGen allele CA341338946.
Genomic context (GRCh38, chr1:99,912,481, plus strand): 5'-GAAATTGTGGGCCTGAGTAAATCTGCTGTTCGCTGGTTGCTGGAATTATCCAAAAAAAAT[A>G]TTTTCCCTTATCATGAAGTCACAGTAAAAAGACATGGTAAGCTGGTTATTTTATTTACAA-3'
Protein context (NP_000633.2, residues 1295-1315): RWLLELSKKN[Ile1305Val]FPYHEVTVKR